The following is an entry in ClinVar:

NM_001853.4(COL9A3):c.1008+12G>C

Gene: COL9A3 (collagen type IX alpha 3 chain; plus strand). Cytogenetic location: 20q13.33.
Variant type: single nucleotide variant.
Coding change: c.1008+12G>C on transcript NM_001853.4 (MANE Select); 12 bases into the intron after coding-DNA position 1008, G replaced by C.
Molecular consequence: intron variant.
Genome position (GRCh38, 1-based): chr20:62,828,988, G>C. VCF-style: chr20-62828988-G-C. GRCh37 (hg19) VCF-style: chr20-61460340-G-C.
Other names: c.1008+12G>C (LRG_1253t1).
Identifiers: ClinVar variation 258403 (VCV000258403.15), dbSNP rs114458036, ClinGen allele CA9949659.

ClinVar aggregate classification (germline): Benign. Review status: criteria provided, multiple submitters, no conflicts (2 of 4 stars). 8 submissions from 8 submitters: Benign (6). 2 of the submissions do not count toward it. Last evaluated 2026-05-08.

Allele frequency attached by ClinVar (database versions not stated): ESP Exome Variant Server 0.17959; gnomAD exomes 0.19624 and 0.19713; 1000 Genomes Project 0.20288; 1000 Genomes Project 30x 0.20862; gnomAD 0.23225 and 0.23628; TOPMed 0.23706; ExAC 0.25034.
gnomAD v4.1: 319,724 of 1,593,186 alleles (20%); highest among the groups gnomAD compares: African/African-American, 36%; 33,534 homozygotes.

Submissions (8):

Women's Health and Genetics/Laboratory Corporation of America, LabCorp
Classification: Benign. Last evaluated: 2026-05-08. Review status: criteria provided, single submitter. Criteria: LabCorp Variant Classification Summary - May 2015. Collection method: clinical testing. Allele origin: germline.

Labcorp Genetics (formerly Invitae), Labcorp
Classification: Benign. Last evaluated: 2026-02-04. Review status: criteria provided, single submitter. Criteria: Invitae Variant Classification Sherloc (09022015). Collection method: clinical testing. Allele origin: germline.

Blueprint Genetics
Classification: Benign. Last evaluated: 2024-11-28. Review status: criteria provided, single submitter. Criteria: ACMG Guidelines, 2015. Collection method: clinical testing. Allele origin: germline.

GeneDx
Classification: Benign. Last evaluated: 2017-05-19. Review status: criteria provided, single submitter. Criteria: GeneDx Variant Classification (06012015). Collection method: clinical testing. Allele origin: germline. Affected: yes.
Comment: This variant is considered likely benign or benign based on one or more of the following criteria: it is a conservative change, it occurs at a poorly conserved position in the protein, it is predicted to be benign by multiple in silico algorithms, and/or has population frequency not consistent with disease.

Breakthrough Genomics
Classification: Benign. Review status: criteria provided, single submitter. Criteria: ACMG Guidelines, 2015. Collection method: not provided. Allele origin: germline. Inheritance: Autosomal recessive inheritance. Affected: yes.

PreventionGenetics, part of Exact Sciences
Classification: Benign. Review status: criteria provided, single submitter. Criteria: ACMG Guidelines, 2015. Collection method: clinical testing. Allele origin: germline.

Clinical Genetics DNA and cytogenetics Diagnostics Lab, Erasmus MC, Erasmus Medical Center
Classification: Benign. Review status: no assertion criteria provided. Collection method: clinical testing. Allele origin: germline. Affected: yes. Study: VKGL Data-share Consensus. Not counted in ClinVar's aggregate classification.

Genome Diagnostics Laboratory, Amsterdam University Medical Center
Classification: Benign. Review status: no assertion criteria provided. Collection method: clinical testing. Allele origin: germline. Affected: yes. Study: VKGL Data-share Consensus. Not counted in ClinVar's aggregate classification.